The following is an entry in ClinVar:

NM_001378477.3(NYX):c.224G>A (p.Arg75Gln)

Gene: NYX (nyctalopin; plus strand). Cytogenetic location: Xp11.4.
Variant type: single nucleotide variant.
Coding change: c.224G>A on transcript NM_001378477.3 (MANE Select); coding-DNA position 224, G replaced by A.
Protein change: p.Arg75Gln; replaces arginine 75 with glutamine.
Molecular consequence: missense variant.
Genome position (GRCh38, 1-based): chrX:41,473,692, G>A. VCF-style: chrX-41473692-G-A. GRCh37 (hg19) VCF-style: chrX-41332945-G-A.
Other names: c.224G>A, p.Arg75Gln (NM_022567.3); short protein forms R75Q.
Identifiers: ClinVar variation 2065092 (VCV002065092.4), dbSNP rs376550267, ClinGen allele CA10389788.

ClinVar aggregate classification (germline): Uncertain significance (1 of 4 stars; one submission).

Allele frequency attached by ClinVar (database versions not stated): gnomAD exomes 0.00001; ESP Exome Variant Server 0.00010.

Submission:

Labcorp Genetics (formerly Invitae), Labcorp
Classification: Uncertain significance. Last evaluated: 2025-05-27. Review status: criteria provided, single submitter. Criteria: Invitae Variant Classification Sherloc (09022015). Collection method: clinical testing. Allele origin: germline.
Comment: This sequence change replaces arginine, which is basic and polar, with glutamine, which is neutral and polar, at codon 80 of the NYX protein (p.Arg80Gln). The frequency data for this variant in the population databases is considered unreliable, as metrics indicate poor data quality at this position in the gnomAD database. This variant has not been reported in the literature in individuals affected with NYX-related conditions. ClinVar contains an entry for this variant (Variation ID: 2065092). Invitae Evidence Modeling of protein sequence and biophysical properties (such as structural, functional, and spatial information, amino acid conservation, physicochemical variation, residue mobility, and thermodynamic stability) indicates that this missense variant is not expected to disrupt NYX protein function with a negative predictive value of 80%. In summary, the available evidence is currently insufficient to determine the role of this variant in disease. Therefore, it has been classified as a Variant of Uncertain Significance.